The following is an entry in ClinVar:

ClinVar aggregate classification (germline): Uncertain significance (1 of 4 stars; one submission).

Conditions:
Familial thoracic aortic aneurysm and aortic dissection (TAAD). Also called: Thoracic aortic aneurysms and dissections. Identifiers: Orphanet 91387, MedGen C4707243, MONDO:0019625.

Submission:

Color Diagnostics, LLC DBA Color Health
Classification: Uncertain significance for Familial thoracic aortic aneurysm and aortic dissection. Last evaluated: 2024-10-28. Review status: criteria provided, single submitter. Criteria: ACMG Guidelines, 2015. Collection method: clinical testing. Allele origin: germline.
Comment: This missense variant replaces glutamic acid with glycine at codon 1868 of the MYH11 protein. Computational prediction suggests that this variant may have deleterious impact on protein structure and function (internally defined REVEL score threshold >= 0.7, PMID: 27666373). To our knowledge, functional studies have not been reported for this variant. This variant has not been reported in individuals affected with MYH11-related disorders in the literature. This variant has not been identified in the general population by the Genome Aggregation Database (gnomAD). The available evidence is insufficient to determine the role of this variant in disease conclusively. Therefore, this variant is classified as a Variant of Uncertain Significance.

NM_002474.3(MYH11):c.5582A>G (p.Glu1861Gly)

Genes: NDE1 (nudE neurodevelopment protein 1; plus strand), MYH11 (myosin heavy chain 11; minus strand). Cytogenetic location: 16p13.11.
Variant type: single nucleotide variant.
Coding change: c.5582A>G on transcript NM_002474.3 (MANE Select); coding-DNA position 5582, A replaced by G.
Protein change: p.Glu1861Gly; replaces glutamic acid 1861 with glycine.
Molecular consequence: missense variant. On other transcripts: intron variant (2).
Genome position (GRCh38, 1-based): chr16:15,715,195, T>C on the plus strand (A>G on the coding strand, the complement: MYH11 is on the minus strand). VCF-style: chr16-15715195-T-C. GRCh37 (hg19) VCF-style: chr16-15809052-T-C.
Other names: c.5603A>G, p.Glu1868Gly (NM_001040113.2, NM_001040114.2); c.5582A>G, p.Glu1861Gly (NM_022844.3); c.948-8996T>C (NM_001143979.2, NM_017668.3); short protein forms E1861G, E1868G.
Identifiers: ClinVar variation 3894144 (VCV003894144.1).